The following is an entry in ClinVar:

NM_001961.4(EEF2):c.612+4C>G

Gene: EEF2 (eukaryotic translation elongation factor 2; minus strand). Cytogenetic location: 19p13.3.
Variant type: single nucleotide variant.
Coding change: c.612+4C>G on transcript NM_001961.4 (MANE Select); 4 bases into the intron after coding-DNA position 612, C replaced by G.
Molecular consequence: intron variant.
Genome position (GRCh38, 1-based): chr19:3,982,803, G>C on the plus strand (C>G on the coding strand, the complement: EEF2 is on the minus strand). VCF-style: chr19-3982803-G-C. GRCh37 (hg19) VCF-style: chr19-3982801-G-C.
Identifiers: ClinVar variation 2030784 (VCV002030784.4), dbSNP rs768577520, ClinGen allele CA9089361.
Genomic context (GRCh38, chr19:3,982,803, plus strand): 5'-CTCCCCACCGGCTCCTGCAGATCCCGCTGCGGCAAGCCCACCACCCAGCTAGGGAGGGCC[G>C]TACCATGATGTTGCCCATGGGGCCGCTCTCGCCCTCGCCGTAGGTGGAGATGATGACGTT-3'

ClinVar aggregate classification (germline): Uncertain significance (1 of 4 stars; one submission).

gnomAD v4.1: 52 of 1,607,730 alleles (0.0032%); highest among the groups gnomAD compares: Non-Finnish European, 0.0043%; no homozygotes.

Submission:

Labcorp Genetics (formerly Invitae), Labcorp
Classification: Uncertain significance. Last evaluated: 2023-09-20. Review status: criteria provided, single submitter. Criteria: Invitae Variant Classification Sherloc (09022015). Collection method: clinical testing. Allele origin: germline.
Comment: This variant has not been reported in the literature in individuals affected with EEF2-related conditions. In summary, the available evidence is currently insufficient to determine the role of this variant in disease. Therefore, it has been classified as a Variant of Uncertain Significance. Variants that disrupt the consensus splice site are a relatively common cause of aberrant splicing (PMID: 17576681, 9536098). Algorithms developed to predict the effect of sequence changes on RNA splicing suggest that this variant is not likely to affect RNA splicing. ClinVar contains an entry for this variant (Variation ID: 2030784). This variant is present in population databases (rs768577520, gnomAD 0.002%). This sequence change falls in intron 4 of the EEF2 gene. It does not directly change the encoded amino acid sequence of the EEF2 protein. It affects a nucleotide within the consensus splice site.

Literature cited by the submitters: PubMed 17576681; PubMed 9536098.